The following is an entry in ClinVar:

NM_014140.4(SMARCAL1):c.530del (p.Pro177fs)

Gene: SMARCAL1 (SNF2 related chromatin remodeling annealing helicase 1; plus strand). Cytogenetic location: 2q35.
Variant type: Deletion.
Coding change: c.530del on transcript NM_014140.4 (MANE Select); coding-DNA position 530, one base deleted (C; older notation c.530delC).
Protein change: p.Pro177fs; shifts the reading frame from proline 177.
Molecular consequence: frameshift variant.
Genome position (GRCh38, 1-based): chr2:216,415,234, C deleted; the last of 2 consecutive C bases (chr2:216,415,233-216,415,234); deleting either gives the same sequence. VCF-style (leftmost placement, unchanged base first): chr2-216415232-AC-A. GRCh37 (hg19) VCF-style: chr2-217279955-AC-A.
Other names: c.530del, p.Pro177fs (NM_001127207.2); short protein forms P177fs.
Identifiers: ClinVar variation 2014519 (VCV002014519.4), dbSNP rs2469611502, ClinGen allele CA2580065737.

ClinVar aggregate classification (germline): Pathogenic (1 of 4 stars; one submission).

Conditions:
Schimke immuno-osseous dysplasia (SIOD). Also called: Schimke Immunoosseous Dysplasia. Identifiers: Orphanet 1830, MedGen C0877024, MONDO:0009458, OMIM 242900.

Submission:

Labcorp Genetics (formerly Invitae), Labcorp
Classification: Pathogenic for Schimke immuno-osseous dysplasia. Last evaluated: 2022-07-06. Review status: criteria provided, single submitter. Criteria: Invitae Variant Classification Sherloc (09022015). Collection method: clinical testing. Allele origin: germline.
Comment: For these reasons, this variant has been classified as Pathogenic. This variant has not been reported in the literature in individuals affected with SMARCAL1-related conditions. This variant is not present in population databases (gnomAD no frequency). This sequence change creates a premature translational stop signal (p.Pro177Glnfs*14) in the SMARCAL1 gene. It is expected to result in an absent or disrupted protein product. Loss-of-function variants in SMARCAL1 are known to be pathogenic (PMID: 11799392, 20301550).

Literature cited by the submitters: PubMed 11799392; PubMed 20301550.